The following is an entry in ClinVar:

ClinVar aggregate classification (germline): Uncertain significance (1 of 4 stars; one submission).

Submission:

Labcorp Genetics (formerly Invitae), Labcorp
Classification: Uncertain significance. Last evaluated: 2021-09-24. Review status: criteria provided, single submitter. Criteria: Invitae Variant Classification Sherloc (09022015). Collection method: clinical testing. Allele origin: germline.
Comment: In summary, the available evidence is currently insufficient to determine the role of this variant in disease. Therefore, it has been classified as a Variant of Uncertain Significance. Algorithms developed to predict the effect of missense changes on protein structure and function (SIFT, PolyPhen-2, Align-GVGD) all suggest that this variant is likely to be tolerated. This variant has not been reported in the literature in individuals affected with PRDM13-related conditions. This variant is not present in population databases (ExAC no frequency). This sequence change replaces serine with proline at codon 203 of the PRDM13 protein (p.Ser203Pro). The serine residue is weakly conserved and there is a moderate physicochemical difference between serine and proline.

NM_021620.4(PRDM13):c.607T>C (p.Ser203Pro)

Gene: PRDM13 (PR/SET domain 13; plus strand). Cytogenetic location: 6q16.2.
Variant type: single nucleotide variant.
Coding change: c.607T>C on transcript NM_021620.4 (MANE Select); coding-DNA position 607, T replaced by C.
Protein change: p.Ser203Pro; replaces serine 203 with proline.
Molecular consequence: missense variant.
Genome position (GRCh38, 1-based): chr6:99,613,242, T>C. VCF-style: chr6-99613242-T-C. GRCh37 (hg19) VCF-style: chr6-100061118-T-C.
Other names: short protein forms S203P.
Identifiers: ClinVar variation 1521121 (VCV001521121.6), dbSNP rs2114499716, ClinGen allele CA365115769.
Genomic context (GRCh38, chr6:99,613,242, plus strand): 5'-CCAGCGGCTGATGGCCTCGGTCTCTCCCCAAAACCCCCGGCGCCCGATTTCGCCGCGCCT[T>C]CCCAGGCAGGAACTTTGCGACCCCACCCCCTGGGCCCGCCACCAGTTCAGGCCTGCGGTG-3'
Protein context (NP_067633.2, residues 193-213): KPPAPDFAAP[Ser203Pro]QAGTLRPHPL